The following is an entry in ClinVar:

ClinVar aggregate classification (germline): Likely benign. Review status: criteria provided, multiple submitters, no conflicts (2 of 4 stars). 2 submissions from 2 submitters: Likely benign (2). Last evaluated 2026-02-24.

Conditions:
COL4A5-related disorder. Also called: COL4A5-related condition.

Allele frequency attached by ClinVar (database versions not stated): gnomAD exomes below 0.00001 and 0.00003; ExAC 0.00002; gnomAD 0.00002 and 0.00003; TOPMed 0.00005; 1000 Genomes Project 30x 0.00021; 1000 Genomes Project 0.00026.
gnomAD v4.1: 8 of 1,208,410 alleles (0.00066%); highest among the groups gnomAD compares: Admixed American, 0.011%; no homozygotes.

Submissions (2):

PreventionGenetics, part of Exact Sciences
Classification: Likely benign for COL4A5-related condition. Last evaluated: 2026-02-24. Review status: criteria provided, single submitter. Criteria: ACMG Guidelines, 2015. Collection method: clinical testing. Allele origin: germline.
Comment: This variant is classified as likely benign based on ACMG/AMP sequence variant interpretation guidelines (Richards et al. 2015 PMID: 25741868, with internal and published modifications).

Labcorp Genetics (formerly Invitae), Labcorp
Classification: Likely benign. Last evaluated: 2025-09-08. Review status: criteria provided, single submitter. Criteria: Invitae Variant Classification Sherloc (09022015). Collection method: clinical testing. Allele origin: germline.

NM_033380.3(COL4A5):c.4761C>T (p.Ile1587=)

Gene: COL4A5 (collagen type IV alpha 5 chain; plus strand). Cytogenetic location: Xq22.3.
Variant type: single nucleotide variant.
Coding change: c.4761C>T on transcript NM_033380.3 (MANE Select); coding-DNA position 4761, C replaced by T.
Protein change: p.Ile1587=; no amino-acid change (isoleucine 1587 retained).
Molecular consequence: synonymous variant.
Genome position (GRCh38, 1-based): chrX:108,694,861, C>T. VCF-style: chrX-108694861-C-T. GRCh37 (hg19) VCF-style: chrX-107938091-C-T.
Other names: c.4743C>T, p.Ile1581= (NM_000495.5); c.4743C>T (NM_000495.4).
Identifiers: ClinVar variation 1120676 (VCV001120676.10), dbSNP rs747959168, ClinGen allele CA10489420.